The following is an entry in ClinVar:

ClinVar aggregate classification (germline): Uncertain significance (1 of 4 stars; one submission).

Allele frequency attached by ClinVar (database versions not stated): gnomAD exomes below 0.00001; TOPMed 0.00001; gnomAD 0.00003.

Submission:

Labcorp Genetics (formerly Invitae), Labcorp
Classification: Uncertain significance. Last evaluated: 2024-07-01. Review status: criteria provided, single submitter. Criteria: Invitae Variant Classification Sherloc (09022015). Collection method: clinical testing. Allele origin: germline.
Comment: This sequence change replaces lysine, which is basic and polar, with arginine, which is basic and polar, at codon 15 of the CUL3 protein (p.Lys15Arg). The frequency data for this variant in the population databases is considered unreliable, as metrics indicate poor data quality at this position in the gnomAD database. This variant has not been reported in the literature in individuals affected with CUL3-related conditions. This missense change has been observed in at least one individual who was not affected with CUL3-related conditions (Invitae). ClinVar contains an entry for this variant (Variation ID: 2166492). An algorithm developed to predict the effect of missense changes on protein structure and function (PolyPhen-2) suggests that this variant is likely to be tolerated. In summary, the available evidence is currently insufficient to determine the role of this variant in disease. Therefore, it has been classified as a Variant of Uncertain Significance.

NM_003590.5(CUL3):c.44A>G (p.Lys15Arg)

Genes: CUL3 (cullin 3; minus strand), LOC129935709 (ATAC-STARR-seq lymphoblastoid silent region 12382; plus strand). Cytogenetic location: 2q36.2.
Variant type: single nucleotide variant.
Coding change: c.44A>G on transcript NM_003590.5 (MANE Select); coding-DNA position 44, A replaced by G.
Protein change: p.Lys15Arg; replaces lysine 15 with arginine.
Molecular consequence: missense variant.
Genome position (GRCh38, 1-based): chr2:224,584,966, T>C on the plus strand (A>G on the coding strand, the complement: CUL3 is on the minus strand). VCF-style: chr2-224584966-T-C. GRCh37 (hg19) VCF-style: chr2-225449683-T-C.
Other names: c.44A>G, p.Lys15Arg (NM_001257197.2); short protein forms K15R.
Identifiers: ClinVar variation 2166492 (VCV002166492.4), dbSNP rs1335865703, ClinGen allele CA351131121.
Genomic context (GRCh38, chr2:224,584,966, plus strand): 5'-CCCGGCCCCGGGGTCCCGGACGCCGAGGAGAGACTCACCGGAAAGGCCCGGATCCGCATC[T>C]TGGTGTCCTTCCGGCTGCCCGTGCCTTTGCTCAGATTCGACATGGTGCTCGTCCCCTCCC-3'
Protein context (NP_003581.1, residues 5-25): SKGTGSRKDT[Lys15Arg]MRIRAFPMTM